The following is an entry in ClinVar:

NM_001386795.1(DTNA):c.1433C>T (p.Ser478Phe)

Gene: DTNA (dystrobrevin alpha; plus strand). Cytogenetic location: 18q12.1.
Variant type: single nucleotide variant.
Coding change: c.1433C>T on transcript NM_001386795.1 (MANE Select); coding-DNA position 1433, C replaced by T.
Protein change: p.Ser478Phe; replaces serine 478 with phenylalanine.
Molecular consequence: missense variant. On other transcripts: intron variant (1).
Genome position (GRCh38, 1-based): chr18:34,848,382, C>T. VCF-style: chr18-34848382-C-T. GRCh37 (hg19) VCF-style: chr18-32428346-C-T.
Other names: c.1172C>T, p.Ser391Phe (NM_001198938.2, NM_001198939.2, NM_001198940.2 and 13 more transcripts); c.479C>T, p.Ser160Phe (NM_001198942.1); c.422C>T, p.Ser141Phe (NM_001198943.1); c.308C>T, p.Ser103Phe (NM_001198944.1); c.1262C>T, p.Ser421Phe (NM_001386754.1, NM_001386755.1, NM_001386756.1 and 5 more transcripts); c.1181C>T, p.Ser394Phe (NM_001386761.1, NM_001386762.1, NM_032975.4 and 1 more transcripts); c.1343C>T, p.Ser448Phe (NM_032978.7); c.296C>T, p.Ser99Phe (NM_032980.4); and 4 more; short protein forms S103F, S141F, S160F, S391F, S394F, S421F, S448F, S451F.
Identifiers: ClinVar variation 4854746 (VCV004854746.1).

ClinVar aggregate classification (germline): Uncertain significance (1 of 4 stars; one submission).

Conditions:
Left ventricular noncompaction 1 (LVNC1). Also called: LEFT VENTRICULAR NONCOMPACTION 1 WITH OR WITHOUT CONGENITAL HEART DEFECTS. Identifiers: Orphanet 54260, MedGen C1858725, MONDO:0011403, OMIM 604169.

Submission:

3billion
Classification: Uncertain significance for Left ventricular noncompaction 1. Last evaluated: 2025-06-21. Review status: criteria provided, single submitter. Criteria: ACMG Guidelines, 2015. Collection method: clinical testing. Allele origin: germline. Affected: yes.
Comment: The variant is not observed in the gnomAD v4.1.0 dataset. Predicted Consequence/Location: Missense variant. Missense changes are a common disease-causing mechanism. Damaging effect on gene or gene product predicted by in silico programs is uncertain [REVEL: 0.43 (damaging >=0.6, benign <0.4), 3Cnet: 0.00 (damaging >0.75, benign <0.1)]. Therefore, this variant is classified as VUS according to the recommendation of ACMG/AMP guideline.